The following is an entry in ClinVar:

ClinVar aggregate classification (germline): Uncertain significance. Review status: criteria provided, multiple submitters, no conflicts (2 of 4 stars). 2 submissions from 2 submitters: Uncertain significance (2). Last evaluated 2022-02-28.

Conditions:
Muscular dystrophy-dystroglycanopathy (congenital with impaired intellectual development), type B, 2. Also called: Muscular dystrophy-dystroglycanopathy (congenital with intellectual disability), type B2; MUSCULAR DYSTROPHY, CONGENITAL, POMT2-RELATED. Identifiers: MedGen C3150416, MONDO:0013160, OMIM 613156.
Autosomal recessive limb-girdle muscular dystrophy type 2N. Also called: MUSCULAR DYSTROPHY-DYSTROGLYCANOPATHY, LIMB-GIRDLE, POMT2-RELATED; Muscular dystrophy-dystroglycanopathy (limb-girdle), type C, 2. Identifiers: Orphanet 206559, MedGen C3150418, MONDO:0013162, OMIM 613158.
Muscular dystrophy-dystroglycanopathy (congenital with brain and eye anomalies), type A2. Also called: MUSCULAR DYSTROPHY-DYSTROGLYCANOPATHY (CONGENITAL WITH BRAIN AND EYE ANOMALIES), TYPE A, 2; WALKER-WARBURG SYNDROME OR MUSCLE-EYE-BRAIN DISEASE, POMT2-RELATED. Identifiers: Orphanet 588, Orphanet 899, MedGen C3150411, MONDO:0013154, OMIM 613150.
Inborn genetic diseases. Identifiers: MedGen C0950123, MeSH D030342.

Allele frequency attached by ClinVar (database versions not stated): gnomAD exomes below 0.00001.
gnomAD v4.1: 1 of 1,591,698 alleles (0.000063%); highest among the groups gnomAD compares: Non-Finnish European, 0.000085%; no homozygotes.

Submissions (2):

Labcorp Genetics (formerly Invitae), Labcorp
Classification: Uncertain significance for Muscular dystrophy-dystroglycanopathy (congenital with impaired intellectual development), type B, 2; Muscular dystrophy-dystroglycanopathy (congenital with brain and eye anomalies), type A2; Autosomal recessive limb-girdle muscular dystrophy type 2N. Last evaluated: 2022-02-28. Review status: criteria provided, single submitter. Criteria: Invitae Variant Classification Sherloc (09022015). Collection method: clinical testing. Allele origin: germline.
Comment: In summary, the available evidence is currently insufficient to determine the role of this variant in disease. Therefore, it has been classified as a Variant of Uncertain Significance. Algorithms developed to predict the effect of missense changes on protein structure and function (SIFT, PolyPhen-2, Align-GVGD) all suggest that this variant is likely to be disruptive. This variant has not been reported in the literature in individuals affected with POMT2-related conditions. This variant is not present in population databases (gnomAD no frequency). This sequence change replaces alanine, which is neutral and non-polar, with valine, which is neutral and non-polar, at codon 177 of the POMT2 protein (p.Ala177Val).

Ambry Genetics
Classification: Uncertain significance for Inborn genetic diseases. Last evaluated: 2022-02-10. Review status: criteria provided, single submitter. Criteria: Ambry Variant Classification Scheme 2023. Collection method: clinical testing. Allele origin: germline.

NM_013382.7(POMT2):c.530C>T (p.Ala177Val)

Gene: POMT2 (protein O-mannosyltransferase 2; minus strand). Cytogenetic location: 14q24.3.
Variant type: single nucleotide variant.
Coding change: c.530C>T on transcript NM_013382.7 (MANE Select); coding-DNA position 530, C replaced by T.
Protein change: p.Ala177Val; replaces alanine 177 with valine.
Molecular consequence: missense variant.
Genome position (GRCh38, 1-based): chr14:77,304,709, G>A on the plus strand (C>T on the coding strand, the complement: POMT2 is on the minus strand). VCF-style: chr14-77304709-G-A. GRCh37 (hg19) VCF-style: chr14-77771052-G-A.
Other names: short protein forms A177V.
Identifiers: ClinVar variation 2200970 (VCV002200970.4), dbSNP rs2503298030, ClinGen allele CA390520702.